The following is an entry in ClinVar:

ClinVar aggregate classification (germline): Uncertain significance (1 of 4 stars; one submission).

gnomAD v4.1: 2 of 1,614,028 alleles (0.00012%); highest among the groups gnomAD compares: Non-Finnish European, 0.00017%; no homozygotes.

Submission:

Labcorp Genetics (formerly Invitae), Labcorp
Classification: Uncertain significance. Last evaluated: 2022-04-28. Review status: criteria provided, single submitter. Criteria: Invitae Variant Classification Sherloc (09022015). Collection method: clinical testing. Allele origin: germline.
Comment: In summary, the available evidence is currently insufficient to determine the role of this variant in disease. Therefore, it has been classified as a Variant of Uncertain Significance. Advanced modeling of protein sequence and biophysical properties (such as structural, functional, and spatial information, amino acid conservation, physicochemical variation, residue mobility, and thermodynamic stability) performed at Invitae indicates that this missense variant is expected to disrupt COQ8A protein function. This variant has not been reported in the literature in individuals affected with COQ8A-related conditions. This variant is not present in population databases (gnomAD no frequency). This sequence change replaces threonine, which is neutral and polar, with asparagine, which is neutral and polar, at codon 606 of the COQ8A protein (p.Thr606Asn).

NM_020247.5(COQ8A):c.1817C>A (p.Thr606Asn)

Gene: COQ8A (coenzyme Q8A; plus strand). Cytogenetic location: 1q42.13.
Variant type: single nucleotide variant.
Coding change: c.1817C>A on transcript NM_020247.5 (MANE Select); coding-DNA position 1817, C replaced by A.
Protein change: p.Thr606Asn; replaces threonine 606 with asparagine.
Molecular consequence: missense variant.
Genome position (GRCh38, 1-based): chr1:226,986,610, C>A. VCF-style: chr1-226986610-C-A. GRCh37 (hg19) VCF-style: chr1-227174311-C-A.
Other names: short protein forms T606N.
Identifiers: ClinVar variation 1949048 (VCV001949048.5), dbSNP rs2528412759, ClinGen allele CA345056988.